The following is an entry in ClinVar:

ClinVar aggregate classification (germline): Uncertain significance. Review status: criteria provided, multiple submitters, no conflicts (2 of 4 stars). 2 submissions from 2 submitters: Uncertain significance (2). Last evaluated 2026-09-01.

Conditions:
Inborn genetic diseases. Identifiers: MedGen C0950123, MeSH D030342.

Allele frequency attached by ClinVar (database versions not stated): ExAC 0.00003.
gnomAD v4.1: 15 of 1,611,578 alleles (0.00093%); highest among the groups gnomAD compares: Non-Finnish European, 0.0013%; no homozygotes.

Submissions (2):

Ambry Genetics
Classification: Uncertain significance for Inborn genetic diseases. Last evaluated: 2026-09-01. Review status: criteria provided, single submitter. Criteria: Ambry Variant Classification Scheme 2023. Collection method: clinical testing. Allele origin: germline.

CeGaT Center for Human Genetics Tuebingen
Classification: Uncertain significance. Last evaluated: 2023-09-01. Review status: criteria provided, single submitter. Criteria: CeGaT Center For Human Genetics Tuebingen Variant Classification Criteria Version 2. Collection method: clinical testing. Allele origin: germline. Affected: yes. Observed: 1 variant allele.
Comment: FRAS1: PM2

NM_025074.7(FRAS1):c.1991G>A (p.Gly664Asp)

Gene: FRAS1 (Fraser extracellular matrix complex subunit 1; plus strand). Cytogenetic location: 4q21.21.
Variant type: single nucleotide variant.
Coding change: c.1991G>A on transcript NM_025074.7 (MANE Select); coding-DNA position 1991, G replaced by A.
Protein change: p.Gly664Asp; replaces glycine 664 with aspartic acid.
Molecular consequence: missense variant.
Genome position (GRCh38, 1-based): chr4:78,318,840, G>A. VCF-style: chr4-78318840-G-A. GRCh37 (hg19) VCF-style: chr4-79239994-G-A.
Other names: c.1991G>A (NM_025074.6); c.1991G>A, p.Gly664Asp (NM_001166133.2); short protein forms G664D.
Identifiers: ClinVar variation 2654836 (VCV002654836.25), dbSNP rs773935574, ClinGen allele CA2976526.